The following is an entry in ClinVar:

NM_000059.4(BRCA2):c.9208T>G (p.Ser3070Ala)

Gene: BRCA2 (BRCA2 DNA repair associated; plus strand). Cytogenetic location: 13q13.1.
Variant type: single nucleotide variant.
Coding change: c.9208T>G on transcript NM_000059.4 (MANE Select); coding-DNA position 9208, T replaced by G.
Protein change: p.Ser3070Ala; replaces serine 3070 with alanine.
Molecular consequence: missense variant.
Genome position (GRCh38, 1-based): chr13:32,380,097, T>G. VCF-style: chr13-32380097-T-G. GRCh37 (hg19) VCF-style: chr13-32954234-T-G.
Other names: short protein forms S3070A.
Identifiers: ClinVar variation 1366200 (VCV001366200.8), dbSNP rs1555288554, ClinGen allele CA387758335.
Genomic context (GRCh38, chr13:32,380,097, plus strand): 5'-CAGCCACGGGAGCCCCTTCACTTCAGCAAATTTTTAGATCCAGACTTTCAGCCATCTTGT[T>G]CTGAGGTGGACCTAATAGGATTTGTCGTTTCTGTTGTGAAAAAAACAGGTAATGCACAAT-3'
Protein context (NP_000050.3, residues 3060-3080): FLDPDFQPSC[Ser3070Ala]EVDLIGFVVS

ClinVar aggregate classification (germline): Uncertain significance (1 of 4 stars; one submission).

Conditions:
Hereditary breast ovarian cancer syndrome. Also called: Hereditary breast and ovarian cancer; Hereditary breast and/or ovarian cancer syndrome; BRCA1- and BRCA2-Associated Hereditary Breast and Ovarian Cancer; Hereditary breast and ovarian cancer syndrome; Hereditary breast and ovarian cancer syndrome (HBOC); Breast and ovarian cancer. Identifiers: Orphanet 145, MedGen C0677776, MeSH D061325, MONDO:0003582. Disease mechanism: loss of function.

Submission:

Labcorp Genetics (formerly Invitae), Labcorp
Classification: Uncertain significance for Hereditary breast ovarian cancer syndrome. Last evaluated: 2021-07-06. Review status: criteria provided, single submitter. Criteria: Invitae Variant Classification Sherloc (09022015). Collection method: clinical testing. Allele origin: germline.
Comment: This variant has not been reported in the literature in individuals affected with BRCA2-related conditions. Advanced modeling of protein sequence and biophysical properties (such as structural, functional, and spatial information, amino acid conservation, physicochemical variation, residue mobility, and thermodynamic stability) performed at Invitae indicates that this missense variant is not expected to disrupt BRCA2 protein function. In summary, the available evidence is currently insufficient to determine the role of this variant in disease. Therefore, it has been classified as a Variant of Uncertain Significance. This variant is not present in population databases (ExAC no frequency). This sequence change replaces serine with alanine at codon 3070 of the BRCA2 protein (p.Ser3070Ala). The serine residue is moderately conserved and there is a moderate physicochemical difference between serine and alanine.